The following is an entry in ClinVar:

NM_022047.4(DEF6):c.1015C>T (p.Arg339Cys)

Gene: DEF6 (DEF6 guanine nucleotide exchange factor; plus strand). Cytogenetic location: 6p21.31.
Variant type: single nucleotide variant.
Coding change: c.1015C>T on transcript NM_022047.4 (MANE Select); coding-DNA position 1015, C replaced by T.
Protein change: p.Arg339Cys; replaces arginine 339 with cysteine.
Molecular consequence: missense variant.
Genome position (GRCh38, 1-based): chr6:35,318,271, C>T. VCF-style: chr6-35318271-C-T. GRCh37 (hg19) VCF-style: chr6-35286048-C-T.
Other names: short protein forms R339C.
Identifiers: ClinVar variation 1507591 (VCV001507591.5), dbSNP rs758302017, ClinGen allele CA3770869.

ClinVar aggregate classification (germline): Uncertain significance (1 of 4 stars; one submission).

Allele frequency attached by ClinVar (database versions not stated): TOPMed below 0.00001; gnomAD exomes 0.00001 and 0.00002; gnomAD 0.00003 and 0.00004; ExAC 0.00011.
gnomAD v4.1: 24 of 1,570,666 alleles (0.0015%); highest among the groups gnomAD compares: Non-Finnish European, 0.00052%; no homozygotes.

Submission:

Labcorp Genetics (formerly Invitae), Labcorp
Classification: Uncertain significance. Last evaluated: 2021-11-16. Review status: criteria provided, single submitter. Criteria: Invitae Variant Classification Sherloc (09022015). Collection method: clinical testing. Allele origin: germline.
Comment: Algorithms developed to predict the effect of sequence changes on RNA splicing suggest that this variant may create or strengthen a splice site. In summary, the available evidence is currently insufficient to determine the role of this variant in disease. Therefore, it has been classified as a Variant of Uncertain Significance. Algorithms developed to predict the effect of missense changes on protein structure and function are either unavailable or do not agree on the potential impact of this missense change (SIFT: "Deleterious"; PolyPhen-2: "Possibly Damaging"; Align-GVGD: "Class C0"). This variant has not been reported in the literature in individuals affected with DEF6-related conditions. This sequence change replaces arginine, which is basic and polar, with cysteine, which is neutral and slightly polar, at codon 339 of the DEF6 protein (p.Arg339Cys). This variant is present in population databases (rs758302017, gnomAD 0.005%).